The following is an entry in ClinVar:

NM_006019.4(TCIRG1):c.1370_1384del (p.Thr457_Tyr461del)

Gene: TCIRG1 (T cell immune regulator 1, ATPase H+ transporting V0 subunit a3; plus strand). Cytogenetic location: 11q13.2.
Variant type: Deletion.
Coding change: c.1370_1384del on transcript NM_006019.4 (MANE Select); coding-DNA positions 1370 to 1384, 15 bases deleted (CCGGCTTCATCTACA).
Protein change: p.Thr457_Tyr461del.
Molecular consequence: inframe deletion.
Genome position (GRCh38, 1-based): chr11:68,047,711-68,047,725, CCGGCTTCATCTACA deleted; deleting any 15 consecutive bases within chr11:68,047,703-68,047,725 gives the same sequence; the c. name uses the placement nearest the transcript's 3' end. VCF-style (leftmost placement, unchanged base first): chr11-68047702-CCATCTACACCGGCTT-C. GRCh37 (hg19) VCF-style: chr11-67815169-CCATCTACACCGGCTT-C.
Other names: c.476_490del, p.Thr159_Tyr163del (NM_001351059.2); c.722_736del, p.Thr241_Tyr245del (NM_006053.4).
Identifiers: ClinVar variation 1913378 (VCV001913378.6), dbSNP rs2495646763, ClinGen allele CA2580084809.

ClinVar aggregate classification (germline): Conflicting classifications of pathogenicity. Review status: criteria provided, conflicting classifications (1 of 4 stars). 2 submissions from 2 submitters: Pathogenic (1); Uncertain significance (1). Last evaluated 2025-12-01.

Submissions (2):

Labcorp Genetics (formerly Invitae), Labcorp
Classification: Pathogenic. Last evaluated: 2025-12-01. Review status: criteria provided, single submitter. Criteria: Invitae Variant Classification Sherloc (09022015). Collection method: clinical testing. Allele origin: germline.
Comment: This variant, c.1370_1384del, results in the deletion of 5 amino acid(s) of the TCIRG1 protein (p.Thr457_Tyr461del), but otherwise preserves the integrity of the reading frame. This variant is not present in population databases (gnomAD no frequency). This variant has not been reported in the literature in individuals affected with TCIRG1-related conditions. ClinVar contains an entry for this variant (Variation ID: 1913378). This variant disrupts a region of the TCIRG1 protein in which other variant(s) (p.Gly458Ser) have been determined to be pathogenic (PMID: 22231430, 28604959, 30539151, 30898715). This suggests that this is a clinically significant region of the protein, and that variants that disrupt it are likely to be disease-causing. For these reasons, this variant has been classified as Pathogenic.

Blueprint Genetics
Classification: Uncertain significance. Last evaluated: 2019-12-03. Review status: criteria provided, single submitter. Criteria: ACMG Guidelines, 2015. Collection method: clinical testing. Allele origin: germline.

Literature cited by the submitters: PubMed 22231430 (cited by Labcorp Genetics (formerly Invitae), Labcorp); PubMed 28604959 (cited by Labcorp Genetics (formerly Invitae), Labcorp); PubMed 30539151 (cited by Labcorp Genetics (formerly Invitae), Labcorp); PubMed 30898715 (cited by Labcorp Genetics (formerly Invitae), Labcorp).